The following is an entry in ClinVar:

ClinVar aggregate classification (germline): Pathogenic. Review status: criteria provided, multiple submitters, no conflicts (2 of 4 stars). 2 submissions from 2 submitters: Pathogenic (2). Last evaluated 2026-03-30.

Conditions:
Primary ciliary dyskinesia. Also called: Ciliary dyskinesia. Identifiers: Orphanet 244, MedGen C0008780, MONDO:0016575, HP:0012265.

Allele frequency attached by ClinVar (database versions not stated): gnomAD exomes 0.00004 and 0.00001; gnomAD 0.00001; TOPMed 0.00002.
gnomAD v4.1: 59 of 1,614,140 alleles (0.0037%); highest among the groups gnomAD compares: Non-Finnish European, 0.0047%; no homozygotes.

Submissions (2):

GeneDx
Classification: Pathogenic. Last evaluated: 2026-03-30. Review status: criteria provided, single submitter. Criteria: GeneDx Variant Classification Process June 2021. Collection method: clinical testing. Allele origin: germline.
Comment: Nonsense variant predicted to result in protein truncation or nonsense mediated decay in a gene for which loss of function is a known mechanism of disease; Not observed at significant frequency in large population cohorts (gnomAD); Has not been previously published as pathogenic or benign to our knowledge

Labcorp Genetics (formerly Invitae), Labcorp
Classification: Pathogenic for Primary ciliary dyskinesia. Last evaluated: 2025-06-27. Review status: criteria provided, single submitter. Criteria: Invitae Variant Classification Sherloc (09022015). Collection method: clinical testing. Allele origin: germline.
Comment: This sequence change creates a premature translational stop signal (p.Tyr782*) in the DNAAF5 gene. It is expected to result in an absent or disrupted protein product. Loss-of-function variants in DNAAF5 are known to be pathogenic (PMID: 24307375, 25232951). This variant is present in population databases (no rsID available, gnomAD 0.002%). This variant has not been reported in the literature in individuals affected with DNAAF5-related conditions. ClinVar contains an entry for this variant (Variation ID: 454860). For these reasons, this variant has been classified as Pathogenic.

Literature cited by the submitters: PubMed 24307375 (cited by Labcorp Genetics (formerly Invitae), Labcorp); PubMed 25232951 (cited by Labcorp Genetics (formerly Invitae), Labcorp).

NM_017802.4(DNAAF5):c.2346C>G (p.Tyr782Ter)

Gene: DNAAF5 (dynein axonemal assembly factor 5; plus strand). Cytogenetic location: 7p22.3.
Variant type: single nucleotide variant.
Coding change: c.2346C>G on transcript NM_017802.4 (MANE Select); coding-DNA position 2346, C replaced by G.
Protein change: p.Tyr782Ter; replaces tyrosine 782 with a stop codon.
Molecular consequence: nonsense. On other transcripts: non-coding transcript variant (1).
Genome position (GRCh38, 1-based): chr7:780,059, C>G. VCF-style: chr7-780059-C-G. GRCh37 (hg19) VCF-style: chr7-819696-C-G.
Other names: short protein forms Y782*.
Identifiers: ClinVar variation 454860 (VCV000454860.6), dbSNP rs950490534, ClinGen allele CA152356881.